The following is an entry in ClinVar:

NM_000202.8(IDS):c.781C>T (p.Pro261Ser)

Genes: IDS (iduronate 2-sulfatase; minus strand), LOC106050102 (IDS recombination region; plus strand). Cytogenetic location: Xq28.
Variant type: single nucleotide variant.
Coding change: c.781C>T on transcript NM_000202.8 (MANE Select); coding-DNA position 781, C replaced by T.
Protein change: p.Pro261Ser; replaces proline 261 with serine.
Molecular consequence: missense variant. On other transcripts: non-coding transcript variant (1).
Genome position (GRCh38, 1-based): chrX:149,496,444, G>A on the plus strand (C>T on the coding strand, the complement: IDS is on the minus strand). VCF-style: chrX-149496444-G-A. GRCh37 (hg19) VCF-style: chrX-148577975-G-A.
Other names: c.511C>T, p.Pro171Ser (NM_001166550.4); c.781C>T, p.Pro261Ser (NM_006123.5); c.781C>T (NM_000202.4); short protein forms P171S, P261S.
Identifiers: ClinVar variation 1041992 (VCV001041992.9), dbSNP rs141720810, ClinGen allele CA414521958.

ClinVar aggregate classification (germline): Uncertain significance. Review status: criteria provided, multiple submitters, no conflicts (2 of 4 stars). 2 submissions from 2 submitters: Uncertain significance (2). Last evaluated 2023-05-25.

Conditions:
Mucopolysaccharidosis, MPS-II (MPS2). Also called: Attenuated MPS (subtype; formerly known as mild MPS II); Severe MPS II; I2S deficiency; MPS 2; Hunter Syndrome; IDURONATE 2-SULFATASE DEFICIENCY. Identifiers: Orphanet 580, Orphanet 79388, MedGen C0026705, MONDO:0010674, OMIM 309900.

Allele frequency attached by ClinVar (database versions not stated): TOPMed 0.00001.

Submissions (2):

GeneDx
Classification: Uncertain significance. Last evaluated: 2023-05-25. Review status: criteria provided, single submitter. Criteria: GeneDx Variant Classification Process June 2021. Collection method: clinical testing. Allele origin: germline. Affected: yes.
Comment: Not observed at significant frequency in large population cohorts (gnomAD); In silico analysis supports that this missense variant does not alter protein structure/function; Has not been previously published as pathogenic or benign to our knowledge

Labcorp Genetics (formerly Invitae), Labcorp
Classification: Uncertain significance for Mucopolysaccharidosis, MPS-II. Last evaluated: 2020-07-16. Review status: criteria provided, single submitter. Criteria: Invitae Variant Classification Sherloc (09022015). Collection method: clinical testing. Allele origin: germline.
Comment: This variant has not been reported in the literature in individuals with IDS-related conditions. Advanced modeling of protein sequence and biophysical properties (such as structural, functional, and spatial information, amino acid conservation, physicochemical variation, residue mobility, and thermodynamic stability) performed at Invitae indicates that this missense variant is expected to disrupt IDS protein function. In summary, the available evidence is currently insufficient to determine the role of this variant in disease. Therefore, it has been classified as a Variant of Uncertain Significance. This variant is not present in population databases (ExAC no frequency). This sequence change replaces proline with serine at codon 261 of the IDS protein (p.Pro261Ser). The proline residue is moderately conserved and there is a moderate physicochemical difference between proline and serine.